The following is an entry in ClinVar:

ClinVar aggregate classification (germline): Likely benign (0 of 4 stars; one submission).

Conditions:
PHIP-related disorder. Also called: PHIP-related condition; PHIP-related disorders.

Submission:

PreventionGenetics, part of Exact Sciences
Classification: Likely benign for PHIP-related condition. Last evaluated: 2024-07-24. Review status: no assertion criteria provided. Collection method: clinical testing. Allele origin: germline.
Comment: This variant is classified as likely benign based on ACMG/AMP sequence variant interpretation guidelines (Richards et al. 2015 PMID: 25741868, with internal and published modifications).

NM_017934.7(PHIP):c.129+6G>C

Gene: PHIP (PHIP subunit of CUL4-Ring ligase complex; minus strand). Cytogenetic location: 6q14.1.
Variant type: single nucleotide variant.
Coding change: c.129+6G>C on transcript NM_017934.7 (MANE Select); 6 bases into the intron after coding-DNA position 129, G replaced by C.
Molecular consequence: intron variant.
Genome position (GRCh38, 1-based): chr6:79,077,694, C>G on the plus strand (G>C on the coding strand, the complement: PHIP is on the minus strand). VCF-style: chr6-79077694-C-G. GRCh37 (hg19) VCF-style: chr6-79787411-C-G.
Identifiers: ClinVar variation 3350278 (VCV003350278.1).